The following is an entry in ClinVar:

NM_005428.4(VAV1):c.1542C>A (p.Asn514Lys)

Gene: VAV1 (vav guanine nucleotide exchange factor 1; plus strand). Cytogenetic location: 19p13.3.
Variant type: single nucleotide variant.
Coding change: c.1542C>A on transcript NM_005428.4 (MANE Select); coding-DNA position 1542, C replaced by A.
Protein change: p.Asn514Lys; replaces asparagine 514 with lysine.
Molecular consequence: missense variant.
Genome position (GRCh38, 1-based): chr19:6,833,217, C>A. VCF-style: chr19-6833217-C-A. GRCh37 (hg19) VCF-style: chr19-6833228-C-A.
Other names: c.1542C>A, p.Asn514Lys (NM_001258206.2); c.1446C>A, p.Asn482Lys (NM_001258207.2); short protein forms N482K, N514K.
Identifiers: ClinVar variation 2178185 (VCV002178185.4), dbSNP rs199798227, ClinGen allele CA9132627.

ClinVar aggregate classification (germline): Uncertain significance (1 of 4 stars; one submission).

gnomAD v4.1: 12 of 1,612,776 alleles (0.00074%); highest among the groups gnomAD compares: Admixed American, 0.0033%; no homozygotes.

Submission:

Labcorp Genetics (formerly Invitae), Labcorp
Classification: Uncertain significance. Last evaluated: 2024-03-29. Review status: criteria provided, single submitter. Criteria: Invitae Variant Classification Sherloc (09022015). Collection method: clinical testing. Allele origin: germline.
Comment: This sequence change replaces asparagine, which is neutral and polar, with lysine, which is basic and polar, at codon 514 of the VAV1 protein (p.Asn514Lys). This variant is present in population databases (rs199798227, gnomAD 0.006%). This variant has not been reported in the literature in individuals affected with VAV1-related conditions. ClinVar contains an entry for this variant (Variation ID: 2178185). An algorithm developed to predict the effect of missense changes on protein structure and function (PolyPhen-2) suggests that this variant is likely to be disruptive. In summary, the available evidence is currently insufficient to determine the role of this variant in disease. Therefore, it has been classified as a Variant of Uncertain Significance.